The following is an entry in ClinVar:

ClinVar aggregate classification (germline): Conflicting classifications of pathogenicity. Review status: criteria provided, conflicting classifications (1 of 4 stars). 2 submissions from 2 submitters: Likely pathogenic (1); Uncertain significance (1). Last evaluated 2026-03-02.

Conditions:
Autosomal recessive limb-girdle muscular dystrophy. Identifiers: Orphanet 102015, MedGen C2931907, MONDO:0015152.
Gnathodiaphyseal dysplasia (GDD). Also called: GNATHODIAPHYSEAL SCLEROSIS; OSTEOGENESIS IMPERFECTA WITH UNUSUAL SKELETAL LESIONS. Identifiers: Orphanet 53697, MedGen C1833736, MONDO:0008151, OMIM 166260.

Allele frequency attached by ClinVar (database versions not stated): gnomAD exomes 0.00001; ExAC 0.00002.
gnomAD v4.1: 7 of 1,607,204 alleles (0.00044%); highest among the groups gnomAD compares: Non-Finnish European, 0.00059%; no homozygotes.

Submissions (2):

Women's Health and Genetics/Laboratory Corporation of America, LabCorp
Classification: Likely pathogenic for Autosomal recessive limb-girdle muscular dystrophy. Last evaluated: 2026-03-02. Review status: criteria provided, single submitter. Criteria: LabCorp Variant Classification Summary - May 2015. Collection method: clinical testing. Allele origin: germline.
Comment: Variant summary: ANO5 c.1180+6T>C alters a conserved nucleotide located close to a canonical splice site and therefore could affect mRNA splicing, leading to a significantly altered protein sequence. Consensus agreement among computation tools predict no significant impact on normal splicing. At least one publication reports experimental evidence that this variant affects mRNA splicing and shows skipping of exon 12 (Mavillard_2021). The variant allele was found at a frequency of 8.1e-06 in 247550 control chromosomes (gnomAD). c.1180+6T>C has been observed in individuals affected with Limb-Girdle Muscular Dystrophy, Autosomal Recessive (Tpf_2020, Mavillard_2021, Zdkov_2023). These data indicate that the variant may be associated with disease. The following publications have been ascertained in the context of this evaluation (PMID: 39678382, 33818761, 32528171, 37526466). ClinVar contains an entry for this variant (Variation ID: 931933). Based on the evidence outlined above, the variant was classified as likely pathogenic.

Centre for Mendelian Genomics, University Medical Centre Ljubljana
Classification: Uncertain significance for Gnathodiaphyseal dysplasia. Last evaluated: 2020-01-27. Review status: criteria provided, single submitter. Criteria: ACMG Guidelines, 2015. Collection method: clinical testing. Allele origin: unknown. Affected: yes.
Comment: This variant was classified as: Uncertain significance. The available evidence favors the pathogenic nature of this variant, however the currently available data is insufficient to conclusively support its pathogenic nature. Thus this variant is classified as Uncertain significance - favor pathogenic. The following ACMG criteria were applied in classifying this variant: PM2,PP3. This variant was detected in homozygous state.

Literature cited by the submitters: PubMed 32528171 (cited by Women's Health and Genetics/Laboratory Corporation of America, LabCorp); PubMed 37526466 (cited by Women's Health and Genetics/Laboratory Corporation of America, LabCorp); PubMed 39678382 (cited by Women's Health and Genetics/Laboratory Corporation of America, LabCorp); PubMed 33818761 (cited by Women's Health and Genetics/Laboratory Corporation of America, LabCorp).

NM_213599.3(ANO5):c.1180+6T>C

Gene: ANO5 (anoctamin 5; plus strand). Cytogenetic location: 11p14.3.
Variant type: single nucleotide variant.
Coding change: c.1180+6T>C on transcript NM_213599.3 (MANE Select); 6 bases into the intron after coding-DNA position 1180, T replaced by C.
Molecular consequence: intron variant.
Genome position (GRCh38, 1-based): chr11:22,251,017, T>C. VCF-style: chr11-22251017-T-C. GRCh37 (hg19) VCF-style: chr11-22272563-T-C.
Other names: c.1177+6T>C (NM_001142649.2).
Identifiers: ClinVar variation 931933 (VCV000931933.4), dbSNP rs746314556, ClinGen allele CA5923158.
Genomic context (GRCh38, chr11:22,251,017, plus strand): 5'-CATTTGTTTGATAATGAGTCAACAGTGTTCTTTGCAATATTCATGGGAATTTGGGGTGAG[T>C]AAATAGTCCCATAAAGAAACAGCTTTCTTCCTATTAATGTGTTGTTTTGCCTCCATATAA-3'